The following is an entry in ClinVar:

ClinVar aggregate classification (germline): Likely benign. Review status: criteria provided, multiple submitters, no conflicts (2 of 4 stars). 3 submissions from 3 submitters: Likely benign (3). Last evaluated 2025-11-18.

Conditions:
Familial cold autoinflammatory syndrome 3 (FCAS3). Also called: ANTIBODY DEFICIENCY AND IMMUNE DYSREGULATION, PLCG2-ASSOCIATED; FAMILIAL ATYPICAL COLD URTICARIA. Identifiers: Orphanet 300359, MedGen C3280914, MONDO:0013766, OMIM 614468.

Allele frequency attached by ClinVar (database versions not stated): gnomAD exomes 0.00001.
gnomAD v4.1: 17 of 1,613,914 alleles (0.0011%); highest among the groups gnomAD compares: Middle Eastern, 0.016%; no homozygotes.

Submissions (3):

Labcorp Genetics (formerly Invitae), Labcorp
Classification: Likely benign for Familial cold autoinflammatory syndrome 3. Last evaluated: 2025-11-18. Review status: criteria provided, single submitter. Criteria: Invitae Variant Classification Sherloc (09022015). Collection method: clinical testing. Allele origin: germline.

CeGaT Center for Human Genetics Tuebingen
Classification: Likely benign. Last evaluated: 2023-02-01. Review status: criteria provided, single submitter. Criteria: CeGaT Center For Human Genetics Tuebingen Variant Classification Criteria Version 2. Collection method: clinical testing. Allele origin: germline. Affected: yes. Observed: 1 variant allele.
Comment: PLCG2: PM2:Supporting, BP4, BP7

Blueprint Genetics
Classification: Likely benign. Last evaluated: 2021-11-26. Review status: criteria provided, single submitter. Criteria: ACMG Guidelines, 2015. Collection method: clinical testing. Allele origin: germline.

NM_002661.5(PLCG2):c.1446C>T (p.Tyr482=)

Gene: PLCG2 (phospholipase C gamma 2; plus strand). Cytogenetic location: 16q23.3.
Variant type: single nucleotide variant.
Coding change: c.1446C>T on transcript NM_002661.5 (MANE Select); coding-DNA position 1446, C replaced by T.
Protein change: p.Tyr482=; no amino-acid change (tyrosine 482 retained).
Molecular consequence: synonymous variant.
Genome position (GRCh38, 1-based): chr16:81,905,486, C>T. VCF-style: chr16-81905486-C-T. GRCh37 (hg19) VCF-style: chr16-81939091-C-T.
Identifiers: ClinVar variation 1633652 (VCV001633652.33), dbSNP rs1567525903, ClinGen allele CA496702312.